The following is an entry in ClinVar:

ClinVar aggregate classification (germline): Uncertain significance. Review status: criteria provided, multiple submitters, no conflicts (2 of 4 stars). 2 submissions from 2 submitters: Uncertain significance (2). Last evaluated 2025-08-14.

Conditions:
Inborn genetic diseases. Identifiers: MedGen C0950123, MeSH D030342.
Sphingolipid activator protein 1 deficiency. Also called: METACHROMATIC LEUKODYSTROPHY DUE TO CEREBROSIDE SULFATASE ACTIVATOR DEFICIENCY; Metachromatic leukodystrophy due to saposin B deficiency; Saposin B Deficiency. Identifiers: Orphanet 512, MedGen C0268262, MONDO:0009590, OMIM 249900.

Allele frequency attached by ClinVar (database versions not stated): gnomAD exomes below 0.00001; TOPMed 0.00001.
gnomAD v4.1: 2 of 1,614,014 alleles (0.00012%); highest among the groups gnomAD compares: African/African-American, 0.0027%; no homozygotes.

Submissions (2):

Ambry Genetics
Classification: Uncertain significance for Inborn genetic diseases. Last evaluated: 2025-08-14. Review status: criteria provided, single submitter. Criteria: Ambry Variant Classification Scheme 2023. Collection method: clinical testing. Allele origin: germline.

Labcorp Genetics (formerly Invitae), Labcorp
Classification: Uncertain significance for Sphingolipid activator protein 1 deficiency. Last evaluated: 2024-10-24. Review status: criteria provided, single submitter. Criteria: Invitae Variant Classification Sherloc (09022015). Collection method: clinical testing. Allele origin: germline.
Comment: This sequence change replaces aspartic acid, which is acidic and polar, with glycine, which is neutral and non-polar, at codon 312 of the PSAP protein (p.Asp312Gly). This variant is not present in population databases (gnomAD no frequency). This variant has not been reported in the literature in individuals affected with PSAP-related conditions. ClinVar contains an entry for this variant (Variation ID: 2199434). Invitae Evidence Modeling of protein sequence and biophysical properties (such as structural, functional, and spatial information, amino acid conservation, physicochemical variation, residue mobility, and thermodynamic stability) indicates that this missense variant is not expected to disrupt PSAP protein function with a negative predictive value of 95%. In summary, the available evidence is currently insufficient to determine the role of this variant in disease. Therefore, it has been classified as a Variant of Uncertain Significance.

NM_002778.4(PSAP):c.935A>G (p.Asp312Gly)

Gene: PSAP (prosaposin; minus strand). Cytogenetic location: 10q22.1.
Variant type: single nucleotide variant.
Coding change: c.935A>G on transcript NM_002778.4 (MANE Select); coding-DNA position 935, A replaced by G.
Protein change: p.Asp312Gly; replaces aspartic acid 312 with glycine.
Molecular consequence: missense variant.
Genome position (GRCh38, 1-based): chr10:71,820,310, T>C on the plus strand (A>G on the coding strand, the complement: PSAP is on the minus strand). VCF-style: chr10-71820310-T-C. GRCh37 (hg19) VCF-style: chr10-73580067-T-C.
Other names: c.944A>G, p.Asp315Gly (NM_001042465.3); c.941A>G, p.Asp314Gly (NM_001042466.3); c.935A>G (NM_002778.2); short protein forms D315G, D312G, D314G.
Identifiers: ClinVar variation 2199434 (VCV002199434.4), dbSNP rs1221149461, ClinGen allele CA377146161.